The following is an entry in ClinVar:

NM_022124.6(CDH23):c.3038G>A (p.Arg1013Gln)

Gene: CDH23 (cadherin related 23; plus strand). Cytogenetic location: 10q22.1.
Variant type: single nucleotide variant.
Coding change: c.3038G>A on transcript NM_022124.6 (MANE Select); coding-DNA position 3038, G replaced by A.
Protein change: p.Arg1013Gln; replaces arginine 1013 with glutamine.
Molecular consequence: missense variant.
Genome position (GRCh38, 1-based): chr10:71,706,981, G>A. VCF-style: chr10-71706981-G-A. GRCh37 (hg19) VCF-style: chr10-73466738-G-A.
Other names: c.3038G>A, p.Arg1013Gln (NM_001171930.2, NM_001171931.2); c.3038G>A (NM_022124.5); short protein forms R1013Q.
Identifiers: ClinVar variation 1497590 (VCV001497590.10), dbSNP rs767888617, ClinGen allele CA5544432.

ClinVar aggregate classification (germline): Uncertain significance. Review status: criteria provided, multiple submitters, no conflicts (2 of 4 stars). 4 submissions from 4 submitters: Uncertain significance (4). Last evaluated 2026-08-28.

Conditions:
CDH23-related disorder. Also called: CDH23-related condition; CDH23-related disorders.

Allele frequency attached by ClinVar (database versions not stated): gnomAD 0.00001; gnomAD exomes 0.00001 and 0.00005; ExAC 0.00007.
gnomAD v4.1: 20 of 1,607,468 alleles (0.0012%); highest among the groups gnomAD compares: Admixed American, 0.017%; no homozygotes.

Submissions (4):

PreventionGenetics, part of Exact Sciences
Classification: Uncertain significance for CDH23-related condition. Last evaluated: 2026-08-28. Review status: criteria provided, single submitter. Criteria: ACMG Guidelines, 2015. Collection method: clinical testing. Allele origin: germline.
Comment: The CDH23 c.3038G>A variant is predicted to result in the amino acid substitution p.Arg1013Gln. This variant was reported in an individual with retinitis pigmentosa (supplementary data, Kim et al. 2021. PubMed ID: 33946315). This variant is reported in 0.027% of alleles in individuals of Latino descent in gnomAD. At this time, the clinical significance of this variant is uncertain due to the absence of conclusive functional and genetic evidence.

CeGaT Center for Human Genetics Tuebingen
Classification: Uncertain significance. Last evaluated: 2026-04-01. Review status: criteria provided, single submitter. Criteria: CeGaT Center For Human Genetics Tuebingen Variant Classification Criteria Version 2. Collection method: clinical testing. Allele origin: germline. Affected: yes. Observed: 1 variant allele.
Comment: CDH23: PM2, BP4

Labcorp Genetics (formerly Invitae), Labcorp
Classification: Uncertain significance. Last evaluated: 2025-01-06. Review status: criteria provided, single submitter. Criteria: Invitae Variant Classification Sherloc (09022015). Collection method: clinical testing. Allele origin: germline.
Comment: This sequence change replaces arginine, which is basic and polar, with glutamine, which is neutral and polar, at codon 1013 of the CDH23 protein (p.Arg1013Gln). This variant is present in population databases (rs767888617, gnomAD 0.03%). This missense change has been observed in individual(s) with CDH23-related conditions (PMID: 33946315, 34721897). ClinVar contains an entry for this variant (Variation ID: 1497590). Invitae Evidence Modeling of protein sequence and biophysical properties (such as structural, functional, and spatial information, amino acid conservation, physicochemical variation, residue mobility, and thermodynamic stability) has been performed for this missense variant. However, the output from this modeling did not meet the statistical confidence thresholds required to predict the impact of this variant on CDH23 protein function. In summary, the available evidence is currently insufficient to determine the role of this variant in disease. Therefore, it has been classified as a Variant of Uncertain Significance.

Women's Health and Genetics/Laboratory Corporation of America, LabCorp
Classification: Uncertain significance. Last evaluated: 2023-11-16. Review status: criteria provided, single submitter. Criteria: LabCorp Variant Classification Summary - May 2015. Collection method: clinical testing. Allele origin: germline.
Comment: Variant summary: CDH23 c.3038G>A (p.Arg1013Gln) results in a conservative amino acid change in the encoded protein sequence. Three of four in-silico tools predict a benign effect of the variant on protein function. The variant allele was found at a frequency of 4.7e-05 in 236176 control chromosomes. This frequency is not significantly higher than estimated for a pathogenic variant in CDH23 causing Usher Syndrome (4.7e-05 vs 0.0032), allowing no conclusion about variant significance. c.3038G>A has been reported in the literature in individuals affected with Retinitis pigmentosa (Kim_2021). These report(s) do not provide unequivocal conclusions about association of the variant with Usher Syndrome. To our knowledge, no experimental evidence demonstrating an impact on protein function has been reported. The following publication have been ascertained in the context of this evaluation (PMID: 33946315). One submitter has cited clinical-significance assessments for this variant to ClinVar after 2014 and has classified the variant as uncertain significance. Based on the evidence outlined above, the variant was classified as uncertain significance.

Literature cited by the submitters: PubMed 33946315 (cited by Labcorp Genetics (formerly Invitae), Labcorp and Women's Health and Genetics/Laboratory Corporation of America, LabCorp); PubMed 34721897 (cited by Labcorp Genetics (formerly Invitae), Labcorp).